The following is an entry in ClinVar:

NM_015340.4(LARS2):c.1738G>T (p.Asp580Tyr)

Genes: LARS2 (leucyl-tRNA synthetase 2, mitochondrial; plus strand), LARS2-AS1 (LARS2 antisense RNA 1; minus strand). Cytogenetic location: 3p21.31.
Variant type: single nucleotide variant.
Coding change: c.1738G>T on transcript NM_015340.4 (MANE Select); coding-DNA position 1738, G replaced by T.
Protein change: p.Asp580Tyr; replaces aspartic acid 580 with tyrosine.
Molecular consequence: missense variant.
Genome position (GRCh38, 1-based): chr3:45,500,557, G>T. VCF-style: chr3-45500557-G-T. GRCh37 (hg19) VCF-style: chr3-45542049-G-T.
Other names: c.1738G>T, p.Asp580Tyr (NM_001368263.1); c.1738G>T (NM_015340.3); short protein forms D580Y.
Identifiers: ClinVar variation 1462342 (VCV001462342.8), dbSNP rs192626950, ClinGen allele CA2349671.
Genomic context (GRCh38, chr3:45,500,557, plus strand): 5'-GGGAAAGAACATGCCGTCATGCACTTGTTCTATGCAAGATTCTTTAGTCATTTTTGCCAT[G>T]ATCAAAAAATGGTTAAACATAGGTAAGCACTTATACTGCTTTGCAAAATAATTGAGTTCC-3'
Protein context (NP_056155.1, residues 570-590): YARFFSHFCH[Asp580Tyr]QKMVKHREPF

ClinVar aggregate classification (germline): Uncertain significance. Review status: criteria provided, multiple submitters, no conflicts (2 of 4 stars). 3 submissions from 3 submitters: Uncertain significance (3). Last evaluated 2026-07-06.

Conditions:
LARS2-related disorder. Also called: LARS2-related condition.

Allele frequency attached by ClinVar (database versions not stated): gnomAD 0.00009; TOPMed 0.00017; 1000 Genomes Project 0.00020; 1000 Genomes Project 30x 0.00031.
gnomAD v4.1: 24 of 1,563,784 alleles (0.0015%); highest among the groups gnomAD compares: Admixed American, 0.036%; no homozygotes.

Submissions (3):

GeneDx
Classification: Uncertain significance. Last evaluated: 2026-07-06. Review status: criteria provided, single submitter. Criteria: GeneDx Variant Classification Process June 2021. Collection method: clinical testing. Allele origin: germline.
Comment: Not observed at significant frequency in large population cohorts (gnomAD); In silico analysis supports that this missense variant has a deleterious effect on protein structure/function; Has not been previously published as pathogenic or benign to our knowledge

PreventionGenetics, part of Exact Sciences
Classification: Uncertain significance for LARS2-related condition. Last evaluated: 2026-02-25. Review status: criteria provided, single submitter. Criteria: ACMG Guidelines, 2015. Collection method: clinical testing. Allele origin: germline.
Comment: The LARS2 c.1738G>T variant is predicted to result in the amino acid substitution p.Asp580Tyr. To our knowledge, this variant has not been reported in the literature. This variant is reported in 0.0045% of alleles in individuals of African descent in gnomAD. At this time, the clinical significance of this variant is uncertain due to the absence of conclusive functional and genetic evidence.

Labcorp Genetics (formerly Invitae), Labcorp
Classification: Uncertain significance. Last evaluated: 2022-03-31. Review status: criteria provided, single submitter. Criteria: Invitae Variant Classification Sherloc (09022015). Collection method: clinical testing. Allele origin: germline.
Comment: This sequence change replaces aspartic acid, which is acidic and polar, with tyrosine, which is neutral and polar, at codon 580 of the LARS2 protein (p.Asp580Tyr). This variant is present in population databases (rs192626950, gnomAD 0.005%). This variant has not been reported in the literature in individuals affected with LARS2-related conditions. Algorithms developed to predict the effect of missense changes on protein structure and function are either unavailable or do not agree on the potential impact of this missense change (SIFT: "Deleterious"; PolyPhen-2: "Probably Damaging"; Align-GVGD: "Class C0"). In summary, the available evidence is currently insufficient to determine the role of this variant in disease. Therefore, it has been classified as a Variant of Uncertain Significance.